The following is an entry in ClinVar:

ClinVar aggregate classification (germline): Uncertain significance (1 of 4 stars; one submission).

Allele frequency attached by ClinVar (database versions not stated): gnomAD 0.00001; gnomAD exomes 0.00001; TOPMed 0.00001.

Submission:

Labcorp Genetics (formerly Invitae), Labcorp
Classification: Uncertain significance. Last evaluated: 2024-01-18. Review status: criteria provided, single submitter. Criteria: Invitae Variant Classification Sherloc (09022015). Collection method: clinical testing. Allele origin: germline.
Comment: This sequence change falls in intron 4 of the PRMT7 gene. It does not directly change the encoded amino acid sequence of the PRMT7 protein. It affects a nucleotide within the consensus splice site. This variant is present in population databases (no rsID available, gnomAD 0.002%). This variant has not been reported in the literature in individuals affected with PRMT7-related conditions. Variants that disrupt the consensus splice site are a relatively common cause of aberrant splicing (PMID: 17576681, 9536098). Algorithms developed to predict the effect of sequence changes on RNA splicing suggest that this variant may disrupt the consensus splice site. In summary, the available evidence is currently insufficient to determine the role of this variant in disease. Therefore, it has been classified as a Variant of Uncertain Significance.

Literature cited by the submitters: PubMed 17576681; PubMed 9536098.

NM_019023.5(PRMT7):c.132+4A>C

Gene: PRMT7 (protein arginine methyltransferase 7; plus strand). Cytogenetic location: 16q22.1.
Variant type: single nucleotide variant.
Coding change: c.132+4A>C on transcript NM_019023.5 (MANE Select); 4 bases into the intron after coding-DNA position 132, A replaced by C.
Molecular consequence: intron variant.
Genome position (GRCh38, 1-based): chr16:68,321,466, A>C. VCF-style: chr16-68321466-A-C. GRCh37 (hg19) VCF-style: chr16-68355369-A-C.
Other names: c.-105-3217A>C (NM_001378022.1, NM_001378021.1, NM_001378023.1); c.132+4A>C (NM_001351143.3, NM_001351144.3, NM_001378018.1 and 2 more transcripts); c.35-3217A>C (NM_001378020.1).
Identifiers: ClinVar variation 2905118 (VCV002905118.3), dbSNP rs1341012628, ClinGen allele CA623136063.